The following is an entry in ClinVar:

NM_000051.4(ATM):c.606_618delinsAG (p.Asp203fs)

Gene: ATM (ATM serine/threonine kinase; plus strand). Cytogenetic location: 11q22.3.
Variant type: Indel.
Coding change: c.606_618delinsAG on transcript NM_000051.4 (MANE Select); coding-DNA positions 606 to 618, TGACGGATTAAAT replaced by AG.
Protein change: p.Asp203fs; shifts the reading frame from aspartic acid 203.
Molecular consequence: frameshift variant.
Genome position (GRCh38, 1-based): chr11:108,244,062-108,244,074, TGACGGATTAAAT replaced by AG. VCF-style: chr11-108244062-TGACGGATTAAAT-AG. GRCh37 (hg19) VCF-style: chr11-108114789-TGACGGATTAAAT-AG.
Other names: c.606_618delinsAG, p.Asp203fs (NM_001351834.2); short protein forms D203fs.
Identifiers: ClinVar variation 920044 (VCV000920044.3), dbSNP rs2079704928, ClinGen allele CA1139662268.

ClinVar aggregate classification (germline): Pathogenic (1 of 4 stars; one submission).

Conditions:
Hereditary cancer-predisposing syndrome. Also called: Neoplastic Syndromes, Hereditary; Tumor predisposition; Hereditary Cancer Syndrome; Hereditary neoplastic syndrome. Identifiers: Orphanet 140162, MedGen C0027672, MeSH D009386, MONDO:0015356.

Submission:

Color Diagnostics, LLC DBA Color Health
Classification: Pathogenic for Hereditary cancer-predisposing syndrome. Last evaluated: 2020-04-06. Review status: criteria provided, single submitter. Criteria: ACMG Guidelines, 2015. Collection method: clinical testing. Allele origin: germline.
Comment: This variant deletes 12 nucleotides and replaces them with 2 nucleotides in exon 6 of the ATM gene, creating a frameshift and premature translation stop signal. This variant is expected to result in an absent or non-functional protein product. To our knowledge, functional studies have not been reported for this variant. This variant has not been reported in individuals affected with hereditary cancer in the literature. This variant has not been identified in the general population by the Genome Aggregation Database (gnomAD). Loss of ATM function is a known mechanism of disease. Based on the available evidence, this variant is classified as Pathogenic.